The following is an entry in ClinVar:

NM_000238.4(KCNH2):c.3173C>A (p.Ala1058Glu)

Gene: KCNH2 (potassium voltage-gated channel subfamily H member 2; minus strand). Cytogenetic location: 7q36.1.
Variant type: single nucleotide variant.
Coding change: c.3173C>A on transcript NM_000238.4 (MANE Select); coding-DNA position 3173, C replaced by A.
Protein change: p.Ala1058Glu; replaces alanine 1058 with glutamic acid.
Molecular consequence: missense variant.
Genome position (GRCh38, 1-based): chr7:150,947,034, G>T on the plus strand (C>A on the coding strand, the complement: KCNH2 is on the minus strand). VCF-style: chr7-150947034-G-T. GRCh37 (hg19) VCF-style: chr7-150644122-G-T.
Other names: c.2153C>A, p.Ala718Glu (NM_172057.3); c.3173C>A (LRG_288t1); short protein forms A1058E, A718E.
Identifiers: ClinVar variation 67476 (VCV000067476.1), dbSNP rs41313752, ClinGen allele CA008070.

ClinVar aggregate classification (germline): not provided (0 of 4 stars; one submission).

Submission:

Cardiovascular Biomedical Research Unit, Royal Brompton & Harefield NHS Foundation Trust
No classification provided. Review status: no classification provided. Collection method: literature only. Allele origin: germline.
Comment: This variant has been reported in the following publications (PMID:14661677;PMID:19841300).

Literature cited by the submitters: PubMed 14661677; PubMed 19841300; PubMed 22581653.